The following is an entry in ClinVar:

NM_014795.4(ZEB2):c.971C>T (p.Ser324Phe)

Gene: ZEB2 (zinc finger E-box binding homeobox 2; minus strand). Cytogenetic location: 2q22.3.
Variant type: single nucleotide variant.
Coding change: c.971C>T on transcript NM_014795.4 (MANE Select); coding-DNA position 971, C replaced by T.
Protein change: p.Ser324Phe; replaces serine 324 with phenylalanine.
Molecular consequence: missense variant.
Genome position (GRCh38, 1-based): chr2:144,400,216, G>A on the plus strand (C>T on the coding strand, the complement: ZEB2 is on the minus strand). VCF-style: chr2-144400216-G-A. GRCh37 (hg19) VCF-style: chr2-145157783-G-A.
Other names: c.899C>T, p.Ser300Phe (NM_001171653.2); short protein forms S300F, S324F.
Identifiers: ClinVar variation 3778429 (VCV003778429.7).

ClinVar aggregate classification (germline): Uncertain significance (1 of 4 stars; one submission).

Submission:

CeGaT Center for Human Genetics Tuebingen
Classification: Uncertain significance. Last evaluated: 2025-03-01. Review status: criteria provided, single submitter. Criteria: CeGaT Center For Human Genetics Tuebingen Variant Classification Criteria Version 2. Collection method: clinical testing. Allele origin: germline. Affected: yes. Observed: 1 variant allele.
Comment: ZEB2: PM2, PP2